The following is an entry in ClinVar:

ClinVar aggregate classification (germline): Conflicting classifications of pathogenicity. Review status: criteria provided, conflicting classifications (1 of 4 stars). 4 submissions from 4 submitters: Uncertain significance (2); Likely benign (2). Last evaluated 2026-08-31.

Conditions:
SH3TC2-related disorder. Also called: SH3TC2-related condition; SH3TC2-related disorders. Identifiers: MedGen CN239303.
Charcot-Marie-Tooth disease. Also called: Charcot-Marie-Tooth Hereditary Neuropathy; Charcot-Marie-Tooth Neuropathy. Identifiers: Orphanet 166, MedGen C0007959, MONDO:0015626.
Inborn genetic diseases. Identifiers: MedGen C0950123, MeSH D030342.
Charcot-Marie-Tooth disease type 4. Also called: Charcot-Marie-Tooth disease, type IV; Charcot-Marie-Tooth, Type 4. Identifiers: Orphanet 64749, MedGen C4082197, MONDO:0018995.

Allele frequency attached by ClinVar (database versions not stated): gnomAD exomes 0.00017; ExAC 0.00023; ESP Exome Variant Server 0.00038; gnomAD 0.00044 and 0.00045; TOPMed 0.00057; 1000 Genomes Project 0.00080; 1000 Genomes Project 30x 0.00094.
gnomAD v4.1: 169 of 1,614,154 alleles (0.01%); highest among the groups gnomAD compares: African/African-American, 0.13%; no homozygotes.

Submissions (4):

PreventionGenetics, part of Exact Sciences
Classification: Uncertain significance for SH3TC2-related condition. Last evaluated: 2026-08-31. Review status: criteria provided, single submitter. Criteria: ACMG Guidelines, 2015. Collection method: clinical testing. Allele origin: germline.
Comment: The SH3TC2 c.1768G>A variant is predicted to result in the amino acid substitution p.Ala590Thr. This variant was reported in an individual with Charcot-Marie-Tooth disease (Volodarsky et al. 2021. PubMed ID: 32376792). This variant is reported in 0.14% of alleles in individuals of African descent in gnomAD. Although we suspect that this variant may be benign, at this time, the clinical significance of this variant is uncertain due to the absence of conclusive functional and genetic evidence.

Labcorp Genetics (formerly Invitae), Labcorp
Classification: Likely benign for Charcot-Marie-Tooth disease type 4. Last evaluated: 2026-01-27. Review status: criteria provided, single submitter. Criteria: Invitae Variant Classification Sherloc (09022015). Collection method: clinical testing. Allele origin: germline.

Ambry Genetics
Classification: Likely benign for Inborn genetic diseases. Last evaluated: 2020-02-18. Review status: criteria provided, single submitter. Criteria: Ambry Variant Classification Scheme 2023. Collection method: clinical testing. Allele origin: germline.

Molecular Genetics Laboratory, London Health Sciences Centre
Classification: Uncertain significance for Charcot-Marie-Tooth disease. Review status: criteria provided, single submitter. Criteria: ACMG Guidelines, 2015. Collection method: clinical testing. Allele origin: germline. Affected: yes.

NM_024577.4(SH3TC2):c.1768G>A (p.Ala590Thr)

Gene: SH3TC2 (SH3 domain and tetratricopeptide repeats 2; minus strand). Cytogenetic location: 5q32.
Variant type: single nucleotide variant.
Coding change: c.1768G>A on transcript NM_024577.4 (MANE Select); coding-DNA position 1768, G replaced by A.
Protein change: p.Ala590Thr; replaces alanine 590 with threonine.
Molecular consequence: missense variant.
Genome position (GRCh38, 1-based): chr5:149,027,964, C>T on the plus strand (G>A on the coding strand, the complement: SH3TC2 is on the minus strand). VCF-style: chr5-149027964-C-T. GRCh37 (hg19) VCF-style: chr5-148407527-C-T.
Other names: short protein forms A590T.
Identifiers: ClinVar variation 565871 (VCV000565871.15), dbSNP rs149244124, ClinGen allele CA3499129.